The following is an entry in ClinVar:

NM_006208.3(ENPP1):c.1973C>T (p.Pro658Leu)

Gene: ENPP1 (ectonucleotide pyrophosphatase/phosphodiesterase 1; plus strand). Cytogenetic location: 6q23.2.
Variant type: single nucleotide variant.
Coding change: c.1973C>T on transcript NM_006208.3 (MANE Select); coding-DNA position 1973, C replaced by T.
Protein change: p.Pro658Leu; replaces proline 658 with leucine.
Molecular consequence: missense variant.
Genome position (GRCh38, 1-based): chr6:131,879,907, C>T. VCF-style: chr6-131879907-C-T. GRCh37 (hg19) VCF-style: chr6-132201047-C-T.
Other names: short protein forms P658L.
Identifiers: ClinVar variation 3005184 (VCV003005184.3), dbSNP rs145330908, ClinGen allele CA147898107.
Genomic context (GRCh38, chr6:131,879,907, plus strand): 5'-CTAACTACATTTATTTTCATCCTGTGACCCAAGAGAAGATTATTAAGCATGAAACTTTAC[C>T]CTATGGAAGACCTAGAGTTCTCCAGAAGGAAAACACCATCTGTCTTCTTTCCCAGCACCA-3'
Protein context (NP_006199.2, residues 648-668): EEKIIKHETL[Pro658Leu]YGRPRVLQKE

ClinVar aggregate classification (germline): Uncertain significance (1 of 4 stars; one submission).

Allele frequency attached by ClinVar (database versions not stated): gnomAD exomes below 0.00001; gnomAD 0.00001; TOPMed 0.00002; ESP Exome Variant Server 0.00008.
gnomAD v4.1: 7 of 1,613,528 alleles (0.00043%); highest among the groups gnomAD compares: African/African-American, 0.004%; no homozygotes.

Submission:

Labcorp Genetics (formerly Invitae), Labcorp
Classification: Uncertain significance. Last evaluated: 2024-06-10. Review status: criteria provided, single submitter. Criteria: Invitae Variant Classification Sherloc (09022015). Collection method: clinical testing. Allele origin: germline.
Comment: This sequence change replaces proline, which is neutral and non-polar, with leucine, which is neutral and non-polar, at codon 658 of the ENPP1 protein (p.Pro658Leu). This variant is present in population databases (rs145330908, gnomAD 0.008%). This variant has not been reported in the literature in individuals affected with ENPP1-related conditions. Advanced modeling of protein sequence and biophysical properties (such as structural, functional, and spatial information, amino acid conservation, physicochemical variation, residue mobility, and thermodynamic stability) performed at Invitae indicates that this missense variant is not expected to disrupt ENPP1 protein function with a negative predictive value of 80%. In summary, the available evidence is currently insufficient to determine the role of this variant in disease. Therefore, it has been classified as a Variant of Uncertain Significance.